The following is an entry in ClinVar:

NM_001447.3(FAT2):c.2023G>A (p.Val675Ile)

Gene: FAT2 (FAT atypical cadherin 2; minus strand). Cytogenetic location: 5q33.1.
Variant type: single nucleotide variant.
Coding change: c.2023G>A on transcript NM_001447.3 (MANE Select); coding-DNA position 2023, G replaced by A.
Protein change: p.Val675Ile; replaces valine 675 with isoleucine.
Molecular consequence: missense variant.
Genome position (GRCh38, 1-based): chr5:151,566,909, C>T on the plus strand (G>A on the coding strand, the complement: FAT2 is on the minus strand). VCF-style: chr5-151566909-C-T. GRCh37 (hg19) VCF-style: chr5-150946470-C-T.
Other names: short protein forms V675I.
Identifiers: ClinVar variation 3697930 (VCV003697930.4).

ClinVar aggregate classification (germline): Uncertain significance. Review status: criteria provided, multiple submitters, no conflicts (2 of 4 stars). 2 submissions from 2 submitters: Uncertain significance (2). Last evaluated 2025-12-27.

Submissions (2):

Dasa
Classification: Uncertain significance. Last evaluated: 2025-12-27. Review status: criteria provided, single submitter. Criteria: DASA Assertion Criteria. Collection method: clinical testing. Allele origin: germline.
Comment: NM_001447.3(FAT2):c.2023G>A (p.Val675Ile) is a missense variant that results in the substitution of valine with isoleucine. This variant is rare in population databases. Computational prediction algorithms are consistent with a benign effect. The currently available literature and clinical evidence are not sufficient to establish a definitive association between this variant and the reported condition. Therefore, this variant is classified as a variant of uncertain significance.

Labcorp Genetics (formerly Invitae), Labcorp
Classification: Uncertain significance. Last evaluated: 2025-01-27. Review status: criteria provided, single submitter. Criteria: Invitae Variant Classification Sherloc (09022015). Collection method: clinical testing. Allele origin: germline.
Comment: This sequence change replaces valine, which is neutral and non-polar, with isoleucine, which is neutral and non-polar, at codon 675 of the FAT2 protein (p.Val675Ile). This variant is not present in population databases (gnomAD no frequency). This variant has not been reported in the literature in individuals affected with FAT2-related conditions. An algorithm developed to predict the effect of missense changes on protein structure and function (PolyPhen-2) suggests that this variant is likely to be tolerated. In summary, the available evidence is currently insufficient to determine the role of this variant in disease. Therefore, it has been classified as a Variant of Uncertain Significance.